The following is an entry in ClinVar:

NM_000147.5(FUCA1):c.91G>A (p.Ala31Thr)

Gene: FUCA1 (alpha-L-fucosidase 1; minus strand). Cytogenetic location: 1p36.11.
Variant type: single nucleotide variant.
Coding change: c.91G>A on transcript NM_000147.5 (MANE Select); coding-DNA position 91, G replaced by A.
Protein change: p.Ala31Thr; replaces alanine 31 with threonine.
Molecular consequence: missense variant.
Genome position (GRCh38, 1-based): chr1:23,868,196, C>T on the plus strand (G>A on the coding strand, the complement: FUCA1 is on the minus strand). VCF-style: chr1-23868196-C-T. GRCh37 (hg19) VCF-style: chr1-24194686-C-T.
Other names: p.Ala31Thr; c.91G>A (NM_000147.4); short protein forms A31T.
Identifiers: ClinVar variation 1485371 (VCV001485371.8), dbSNP rs774539460, ClinGen allele CA686625.

ClinVar aggregate classification (germline): Uncertain significance. Review status: criteria provided, multiple submitters, no conflicts (2 of 4 stars). 3 submissions from 3 submitters: Uncertain significance (3). Last evaluated 2025-10-07.

Conditions:
Fucosidosis. Also called: ALPHA-L-FUCOSIDASE DEFICIENCY. Identifiers: Orphanet 349, MedGen C0016788, MONDO:0009254, OMIM 230000.
Inborn genetic diseases. Identifiers: MedGen C0950123, MeSH D030342.

Allele frequency attached by ClinVar (database versions not stated): ExAC 0.00002; TOPMed 0.00002.
gnomAD v4.1: 17 of 1,599,268 alleles (0.0011%); highest among the groups gnomAD compares: Admixed American, 0.0017%; no homozygotes.

Submissions (3):

Mayo Clinic Laboratories, Mayo Clinic
Classification: Uncertain significance. Last evaluated: 2025-10-07. Review status: criteria provided, single submitter. Criteria: ACMG Guidelines, 2015. Collection method: clinical testing. Allele origin: germline. Observed: 1 variant allele.
Comment: BP4_moderate

Labcorp Genetics (formerly Invitae), Labcorp
Classification: Uncertain significance for Fucosidosis. Last evaluated: 2025-04-15. Review status: criteria provided, single submitter. Criteria: Invitae Variant Classification Sherloc (09022015). Collection method: clinical testing. Allele origin: germline.
Comment: This sequence change replaces alanine, which is neutral and non-polar, with threonine, which is neutral and polar, at codon 31 of the FUCA1 protein (p.Ala31Thr). This variant is present in population databases (rs774539460, gnomAD 0.003%). This variant has not been reported in the literature in individuals affected with FUCA1-related conditions. ClinVar contains an entry for this variant (Variation ID: 1485371). Invitae Evidence Modeling of protein sequence and biophysical properties (such as structural, functional, and spatial information, amino acid conservation, physicochemical variation, residue mobility, and thermodynamic stability) indicates that this missense variant is not expected to disrupt FUCA1 protein function with a negative predictive value of 95%. In summary, the available evidence is currently insufficient to determine the role of this variant in disease. Therefore, it has been classified as a Variant of Uncertain Significance.

Ambry Genetics
Classification: Uncertain significance for Inborn genetic diseases. Last evaluated: 2024-04-23. Review status: criteria provided, single submitter. Criteria: Ambry Variant Classification Scheme 2023. Collection method: clinical testing. Allele origin: germline.